The following is an entry in ClinVar:

ClinVar aggregate classification (germline): Benign/Likely benign. Review status: criteria provided, multiple submitters, no conflicts (2 of 4 stars). 3 submissions from 3 submitters: Benign (1); Likely benign (1). 1 of the submissions does not count toward it. Last evaluated 2026-01-27.

Conditions:
HERC1-related disorder. Also called: HERC1-related condition.

Allele frequency attached by ClinVar (database versions not stated): gnomAD exomes 0.00059 and 0.00151; ExAC 0.00192; gnomAD 0.00618 and 0.00646; TOPMed 0.00681; ESP Exome Variant Server 0.00717; 1000 Genomes Project 30x 0.00765; 1000 Genomes Project 0.00779.
gnomAD v4.1: 1,847 of 1,613,086 alleles (0.11%); highest among the groups gnomAD compares: African/African-American, 2.1%; 22 homozygotes.

Submissions (3):

Labcorp Genetics (formerly Invitae), Labcorp
Classification: Benign. Last evaluated: 2026-01-27. Review status: criteria provided, single submitter. Criteria: Invitae Variant Classification Sherloc (09022015). Collection method: clinical testing. Allele origin: germline.

GeneDx
Classification: Likely benign. Last evaluated: 2021-09-21. Review status: criteria provided, single submitter. Criteria: GeneDx Variant Classification Process June 2021. Collection method: clinical testing. Allele origin: germline. Affected: yes.

PreventionGenetics, part of Exact Sciences
Classification: Benign for HERC1-related condition. Last evaluated: 2023-11-07. Review status: no assertion criteria provided. Collection method: clinical testing. Allele origin: germline. Not counted in ClinVar's aggregate classification.
Comment: This variant is classified as benign based on ACMG/AMP sequence variant interpretation guidelines (Richards et al. 2015 PMID: 25741868, with internal and published modifications).

NM_003922.4(HERC1):c.3565T>C (p.Leu1189=)

Gene: HERC1 (HECT and RLD domain containing E3 ubiquitin protein ligase family member 1; minus strand). Cytogenetic location: 15q22.31.
Variant type: single nucleotide variant.
Coding change: c.3565T>C on transcript NM_003922.4 (MANE Select); coding-DNA position 3565, T replaced by C.
Protein change: p.Leu1189=; no amino-acid change (leucine 1189 retained).
Molecular consequence: synonymous variant.
Genome position (GRCh38, 1-based): chr15:63,725,295, A>G on the plus strand (T>C on the coding strand, the complement: HERC1 is on the minus strand). VCF-style: chr15-63725295-A-G. GRCh37 (hg19) VCF-style: chr15-64017494-A-G.
Identifiers: ClinVar variation 779843 (VCV000779843.15), dbSNP rs2228519, ClinGen allele CA7606018.